The following is an entry in ClinVar:

ClinVar aggregate classification (germline): Conflicting classifications of pathogenicity. Review status: criteria provided, conflicting classifications (1 of 4 stars). 5 submissions from 4 submitters: Uncertain significance (2); Benign (1); Likely benign (2). Last evaluated 2025-10-19.

Conditions:
Inflammatory bowel disease 1 (IBD1). Also called: INFLAMMATORY BOWEL DISEASE (CROHN DISEASE) 1; Inflammatory bowel disease 1, Crohn disease. Identifiers: MedGen CN260071, MONDO:0009960, OMIM 266600.
Blau syndrome (BLAUS). Also called: GRANULOMATOSIS, FAMILIAL JUVENILE SYSTEMIC; GRANULOMATOSIS, FAMILIAL, BLAU TYPE; GRANULOMATOUS INFLAMMATORY ARTHRITIS, DERMATITIS, AND UVEITIS, FAMILIAL; JABS SYNDROME; ARTHROCUTANEOUVEAL GRANULOMATOSIS. Identifiers: Orphanet 90340, MedGen C5201146, MONDO:0008523, OMIM 186580.
Regional enteritis. Also called: Enteritis, Granulomatous. Identifiers: MedGen C0678202, MeSH D003424.

Allele frequency attached by ClinVar (database versions not stated): TOPMed 0.00003; gnomAD 0.00006 and 0.00009; gnomAD exomes 0.00010 and 0.00020; 1000 Genomes Project 30x 0.00016; 1000 Genomes Project 0.00020; ExAC 0.00021.

Submissions (5):

Labcorp Genetics (formerly Invitae), Labcorp
Classification: Likely benign for Regional enteritis; Blau syndrome. Last evaluated: 2025-10-19. Review status: criteria provided, single submitter. Criteria: Invitae Variant Classification Sherloc (09022015). Collection method: clinical testing. Allele origin: germline.

GeneDx
Classification: Uncertain significance. Last evaluated: 2025-08-15. Review status: criteria provided, single submitter. Criteria: GeneDx Variant Classification Process June 2021. Collection method: clinical testing. Allele origin: germline. Affected: yes.
Comment: In silico analysis suggests that this missense variant does not alter protein structure/function; Has not been previously published as pathogenic or benign to our knowledge

Blueprint Genetics
Classification: Likely benign. Last evaluated: 2024-10-14. Review status: criteria provided, single submitter. Criteria: ACMG Guidelines, 2015. Collection method: clinical testing. Allele origin: germline.

Illumina Laboratory Services, Illumina
Classification: Benign for Blau syndrome. Last evaluated: 2018-01-13. Review status: criteria provided, single submitter. Criteria: ICSL Variant Classification Criteria 13 December 2019. Collection method: clinical testing. Allele origin: germline.
Comment: This variant was observed in the ICSL laboratory as part of a predisposition screen in an ostensibly healthy population. It had not been previously curated by ICSL or reported in the Human Gene Mutation Database (HGMD: prior to June 1st, 2018), and was therefore a candidate for classification through an automated scoring system. Utilizing variant allele frequency, disease prevalence and penetrance estimates, and inheritance mode, an automated score was calculated to assess if this variant is too frequent to cause the disease. Based on the score and internal cut-off values, a variant classified as benign is not then subjected to further curation. The score for this variant resulted in a classification of benign for this disease.

Illumina Laboratory Services, Illumina
Classification: Uncertain significance for Inflammatory bowel disease 1. Last evaluated: 2018-01-13. Review status: criteria provided, single submitter. Criteria: ICSL Variant Classification Criteria 13 December 2019. Collection method: clinical testing. Allele origin: germline.

NM_001370466.1(NOD2):c.778C>T (p.His260Tyr)

Gene: NOD2 (nucleotide binding oligomerization domain containing 2; plus strand). Cytogenetic location: 16q12.1.
Variant type: single nucleotide variant.
Coding change: c.778C>T on transcript NM_001370466.1 (MANE Select); coding-DNA position 778, C replaced by T.
Protein change: p.His260Tyr; replaces histidine 260 with tyrosine.
Molecular consequence: missense variant. On other transcripts: non-coding transcript variant (1).
Genome position (GRCh38, 1-based): chr16:50,710,770, C>T. VCF-style: chr16-50710770-C-T. GRCh37 (hg19) VCF-style: chr16-50744681-C-T.
Other names: c.859C>T (LRG_177t1); c.778C>T, p.His260Tyr (NM_001293557.2); c.859C>T, p.His287Tyr (NM_022162.3); short protein forms H287Y, H260Y.
Identifiers: ClinVar variation 319439 (VCV000319439.17), dbSNP rs560242309, ClinGen allele CA8051412.